The following is an entry in ClinVar:

NM_000400.4(ERCC2):c.767T>C (p.Leu256Pro)

Gene: ERCC2 (ERCC excision repair 2, TFIIH core complex helicase subunit; minus strand). Cytogenetic location: 19q13.32.
Variant type: single nucleotide variant.
Coding change: c.767T>C on transcript NM_000400.4 (MANE Select); coding-DNA position 767, T replaced by C.
Protein change: p.Leu256Pro; replaces leucine 256 with proline.
Molecular consequence: missense variant.
Genome position (GRCh38, 1-based): chr19:45,364,283, A>G on the plus strand (T>C on the coding strand, the complement: ERCC2 is on the minus strand). VCF-style: chr19-45364283-A-G. GRCh37 (hg19) VCF-style: chr19-45867541-A-G.
Other names: c.695T>C, p.Leu232Pro (NM_001130867.2); short protein forms L232P, L256P.
Identifiers: ClinVar variation 2447138 (VCV002447138.2), dbSNP rs2514031080, ClinGen allele CA406374151.
Genomic context (GRCh38, chr19:45,364,283, plus strand): 5'-CCCCGGCCCCACCTGAGCACCGTCTTCTGCAGGGTCTCCAGGTTGCCCTGGCACCGGTCA[A>G]GGGTCCGGCGGGTGAGGTTGACGCTCATGGAGTCGATGCAGACGTTGTCTGGAGAAGGGG-3'
Protein context (NP_000391.1, residues 246-266): SMSVNLTRRT[Leu256Pro]DRCQGNLETL

ClinVar aggregate classification (germline): Uncertain significance (1 of 4 stars; one submission).

Conditions:
Inborn genetic diseases. Identifiers: MedGen C0950123, MeSH D030342.

Submission:

Ambry Genetics
Classification: Uncertain significance for Inborn genetic diseases. Last evaluated: 2022-12-04. Review status: criteria provided, single submitter. Criteria: Ambry Variant Classification Scheme 2023. Collection method: clinical testing. Allele origin: germline.
Comment: The p.L256P variant (also known as c.767T>C), located in coding exon 9 of the ERCC2 gene, results from a T to C substitution at nucleotide position 767. The leucine at codon 256 is replaced by proline, an amino acid with similar properties. This amino acid position is conserved. In addition, this alteration is predicted to be deleterious by in silico analysis. Since supporting evidence is limited at this time, the clinical significance of this alteration remains unclear.